The following is an entry in ClinVar:

NM_007215.4(POLG2):c.396C>G (p.His132Gln)

Genes: MILR1 (mast cell immunoglobulin like receptor 1; plus strand), POLG2 (DNA polymerase gamma 2, accessory subunit; minus strand). Cytogenetic location: 17q23.3.
Variant type: single nucleotide variant.
Coding change: c.396C>G on transcript NM_007215.4 (MANE Select); coding-DNA position 396, C replaced by G.
Protein change: p.His132Gln; replaces histidine 132 with glutamine.
Molecular consequence: missense variant.
Genome position (GRCh38, 1-based): chr17:64,496,573, G>C on the plus strand (C>G on the coding strand, the complement: POLG2 is on the minus strand). VCF-style: chr17-64496573-G-C. GRCh37 (hg19) VCF-style: chr17-62492691-G-C.
Other names: short protein forms H132Q.
Identifiers: ClinVar variation 2741656 (VCV002741656.3), dbSNP rs2509560496, ClinGen allele CA400641023.

ClinVar aggregate classification (germline): Uncertain significance (1 of 4 stars; one submission).

Submission:

Labcorp Genetics (formerly Invitae), Labcorp
Classification: Uncertain significance. Last evaluated: 2024-10-06. Review status: criteria provided, single submitter. Criteria: Invitae Variant Classification Sherloc (09022015). Collection method: clinical testing. Allele origin: germline.
Comment: This sequence change replaces histidine, which is basic and polar, with glutamine, which is neutral and polar, at codon 132 of the POLG2 protein (p.His132Gln). This variant is not present in population databases (gnomAD no frequency). This variant has not been reported in the literature in individuals affected with POLG2-related conditions. An algorithm developed to predict the effect of missense changes on protein structure and function (PolyPhen-2) suggests that this variant is likely to be disruptive. In summary, the available evidence is currently insufficient to determine the role of this variant in disease. Therefore, it has been classified as a Variant of Uncertain Significance.